The following is an entry in ClinVar:

NM_002734.5(PRKAR1A):c.826T>C (p.Phe276Leu)

Gene: PRKAR1A (protein kinase cAMP-dependent type I regulatory subunit alpha; plus strand). Cytogenetic location: 17q24.2.
Variant type: single nucleotide variant.
Coding change: c.826T>C on transcript NM_002734.5 (MANE Select); coding-DNA position 826, T replaced by C.
Protein change: p.Phe276Leu; replaces phenylalanine 276 with leucine.
Molecular consequence: missense variant.
Genome position (GRCh38, 1-based): chr17:68,528,926, T>C. VCF-style: chr17-68528926-T-C. GRCh37 (hg19) VCF-style: chr17-66525067-T-C.
Other names: c.826T>C, p.Phe276Leu (NM_001276289.2, NM_001276290.1, NM_001278433.2 and 4 more transcripts); short protein forms F276L.
Identifiers: ClinVar variation 1762699 (VCV001762699.2), dbSNP rs2509437703, ClinGen allele CA400753904.
Genomic context (GRCh38, chr17:68,528,926, plus strand): 5'-TCAGAGTCTCTGGACAAGTGGGAACGTCTTACGGTAGCTGATGCATTGGAACCAGTGCAG[T>C]TTGAAGATGGGCAGAAGATTGTGGTGCAGGGAGAACCAGGGGATGAGTTCTTCATTATTT-3'
Protein context (NP_002725.1, residues 266-286): TVADALEPVQ[Phe276Leu]EDGQKIVVQG

ClinVar aggregate classification (germline): Uncertain significance (1 of 4 stars; one submission).

Conditions:
Hereditary cancer-predisposing syndrome. Also called: Neoplastic Syndromes, Hereditary; Tumor predisposition; Hereditary Cancer Syndrome; Hereditary neoplastic syndrome. Identifiers: Orphanet 140162, MedGen C0027672, MeSH D009386, MONDO:0015356.

Submission:

Ambry Genetics
Classification: Uncertain significance for Hereditary cancer-predisposing syndrome. Last evaluated: 2020-08-12. Review status: criteria provided, single submitter. Criteria: Ambry Variant Classification Scheme 2023. Collection method: clinical testing. Allele origin: germline.
Comment: The p.F276L variant (also known as c.826T>C), located in coding exon 8 of the PRKAR1A gene, results from a T to C substitution at nucleotide position 826. The phenylalanine at codon 276 is replaced by leucine, an amino acid with highly similar properties. This amino acid position is highly conserved in available vertebrate species. In addition, this alteration is predicted to be deleterious by in silico analysis. Since supporting evidence is limited at this time, the clinical significance of this alteration remains unclear.